The following is an entry in ClinVar:

ClinVar aggregate classification (germline): Pathogenic (1 of 4 stars; one submission).

Conditions:
Hereditary cancer-predisposing syndrome. Also called: Neoplastic Syndromes, Hereditary; Tumor predisposition; Hereditary Cancer Syndrome; Hereditary neoplastic syndrome. Identifiers: Orphanet 140162, MedGen C0027672, MeSH D009386, MONDO:0015356.

Submission:

Ambry Genetics
Classification: Pathogenic for Hereditary cancer-predisposing syndrome. Last evaluated: 2017-09-14. Review status: criteria provided, single submitter. Criteria: Ambry Variant Classification Scheme 2023. Collection method: clinical testing. Allele origin: germline.
Comment: The c.3499_3503dupCTCAC pathogenic mutation, located in coding exon 6 of the MSH6 gene, results from a duplication of CTCAC at nucleotide position 3499, causing a translational frameshift with a predicted alternate stop codon (p.P1169Sfs*17). This alteration is expected to result in loss of function by premature protein truncation or nonsense-mediated mRNA decay. As such, this alteration is interpreted as a disease-causing mutation.

NM_000179.3(MSH6):c.3499_3503dup (p.Pro1169fs)

Gene: MSH6 (mutS homolog 6; plus strand). Cytogenetic location: 2p16.3.
Variant type: Duplication.
Coding change: c.3499_3503dup on transcript NM_000179.3 (MANE Select); coding-DNA positions 3499 to 3503, 5 bases duplicated (CTCAC; older notation c.3499_3503dupCTCAC).
Protein change: p.Pro1169fs; shifts the reading frame from proline 1169.
Molecular consequence: frameshift variant.
Genome position (GRCh38, 1-based): chr2:47,804,970-47,804,974, CTCAC duplicated. VCF-style (leftmost placement, unchanged base first): chr2-47804969-G-GCTCAC. GRCh37 (hg19) VCF-style: chr2-48032108-G-GCTCAC.
Other names: c.3499_3503dupCTCAC (NM_000179.2); c.3109_3113dup, p.Pro1039fs (NM_001281492.2); c.2593_2597dup, p.Pro867fs (NM_001281493.2, NM_001281494.2); c.3595_3599dup, p.Pro1201Serfs (NM_001406795.1, NM_001406802.1); c.3499_3503dup, p.Pro1169Serfs (NM_001406796.1, NM_001406800.1, NM_001406808.1 and 1 more transcripts); c.3202_3206dup, p.Pro1070Serfs (NM_001406797.1, NM_001406801.1, NM_001406805.1 and 10 more transcripts); c.3325_3329dup, p.Pro1111Serfs (NM_001406798.1); c.2974_2978dup, p.Pro994Serfs (NM_001406799.1, NM_001406806.1, NM_001406807.1); and 9 more; short protein forms P867fs, P1039fs, P1169fs.
Identifiers: ClinVar variation 1732003 (VCV001732003.2), dbSNP rs2530802580, ClinGen allele CA2580067171.